The following is an entry in ClinVar:

ClinVar aggregate classification (germline): Likely pathogenic (1 of 4 stars; one submission).

Conditions:
Hyperinsulinemic hypoglycemia, familial, 1 (HHF1). Also called: Persistent hyperinsulinemic hypoglycemia of infancy; HYPERINSULINISM, FAMILIAL, WITH PANCREATIC NESIDIOBLASTOSIS; HYPOGLYCEMIA, HYPERINSULINEMIC, OF INFANCY; NESIDIOBLASTOSIS OF PANCREAS; Persistent Hyperinsulinemia Hypoglycemia of Infancy. Identifiers: Orphanet 276575, Orphanet 276598, MedGen C2931832, MONDO:0009734, OMIM 256450.

Submission:

Myriad Genetics, Inc.
Classification: Likely pathogenic for Hyperinsulinemic hypoglycemia, familial, 1. Last evaluated: 2021-12-30. Review status: criteria provided, single submitter. Criteria: Myriad Women's Health Autosomal Recessive and X-Linked Classification Criteria (2021). Collection method: clinical testing. Allele origin: unknown.
Comment: NM_000352.3(ABCC8):c.698_699delTG(M233Kfs*38) is expected to be pathogenic in the context of familial hyperinsulinism, ABCC8-related. This variant is predicted to lead to an abnormal or absent protein product due to the creation of a premature termination codon in ABCC8, a gene where loss-of-function variants are known to be pathogenic. Please note: this variant was assessed in the context of healthy population screening.

NM_000352.6(ABCC8):c.698_699del (p.Met233fs)

Gene: ABCC8 (ATP binding cassette subfamily C member 8; minus strand). Cytogenetic location: 11p15.1.
Variant type: Deletion.
Coding change: c.698_699del on transcript NM_000352.6 (MANE Select); coding-DNA positions 698 to 699, 2 bases deleted (TG; older notation c.698_699delTG).
Protein change: p.Met233fs; shifts the reading frame from methionine 233.
Molecular consequence: frameshift variant. On other transcripts: non-coding transcript variant (1).
Genome position (GRCh38, 1-based): chr11:17,461,706-17,461,707, CA deleted on the plus strand (TG on the coding strand, the reverse complement: ABCC8 is on the minus strand). VCF-style (leftmost placement, unchanged base first): chr11-17461705-TCA-T. GRCh37 (hg19) VCF-style: chr11-17483252-TCA-T.
Other names: c.698_699del, p.Met233fs (NM_001287174.3, NM_001351295.2, NM_001351296.2 and 1 more transcripts); short protein forms M233fs.
Identifiers: ClinVar variation 1726711 (VCV001726711.2), dbSNP rs2496853367, ClinGen allele CA2580082796.